The following is an entry in ClinVar:

ClinVar aggregate classification (germline): Uncertain significance (1 of 4 stars; one submission).

Allele frequency attached by ClinVar (database versions not stated): gnomAD exomes below 0.00001 and 0.00001; ExAC 0.00002.
gnomAD v4.1: 6 of 1,608,372 alleles (0.00037%); highest among the groups gnomAD compares: South Asian, 0.0066%; no homozygotes.

Submission:

Women's Health and Genetics/Laboratory Corporation of America, LabCorp
Classification: Uncertain significance. Last evaluated: 2022-04-25. Review status: criteria provided, single submitter. Criteria: LabCorp Variant Classification Summary - May 2015. Collection method: clinical testing. Allele origin: germline.
Comment: Variant summary: POR c.2041T>G (p.X681GluextX14) changes the termination codon and is predicted to lead to an extended protein with additional 14 amino acids added to the normal C-terminus. The variant allele was found at a frequency of 4.1e-06 in 241738 control chromosomes (gnomAD). The available data on variant occurrences in the general population are insufficient to allow any conclusion about variant significance. To our knowledge, no occurrence of c.2041T>G in individuals affected with Congenital Adrenal Hyperplasia and no experimental evidence demonstrating its impact on protein function have been reported. No clinical diagnostic laboratories have submitted clinical-significance assessments for this variant to ClinVar after 2014. Based on the evidence outlined above, the variant was classified as uncertain significance.

NM_001395413.1(POR):c.2032T>G (p.Ter678Glu)

Gene: POR (cytochrome p450 oxidoreductase; plus strand). Cytogenetic location: 7q11.23.
Variant type: single nucleotide variant.
Coding change: c.2032T>G on transcript NM_001395413.1 (MANE Select); coding-DNA position 2032, T replaced by G.
Protein change: p.Ter678Glu.
Molecular consequence: stop lost.
Genome position (GRCh38, 1-based): chr7:75,986,479, T>G. VCF-style: chr7-75986479-T-G. GRCh37 (hg19) VCF-style: chr7-75615797-T-G.
Other names: c.2041T>G (NM_000941.2); c.2032T>G, p.Ter678Glu (NM_001367562.3, NM_001382657.2, NM_001382658.3 and 1 more transcripts); c.2086T>G, p.Ter696Glu (NM_001382655.3); c.1882T>G, p.Ter628Glu (NM_001382662.3).
Identifiers: ClinVar variation 1683268 (VCV001683268.2), dbSNP rs782566269, ClinGen allele CA4304411.
Genomic context (GRCh38, chr7:75,986,479, plus strand): 5'-GCGGTGGACTACATCAAGAAACTGATGACCAAGGGCCGCTACTCCCTGGACGTGTGGAGC[T>G]AGGGGCCTGCCTGCCCCACCCACCCCACAGACTCCGGCCTGTAATCAGCTCTCCTGGCTC-3'